The following is an entry in ClinVar:

ClinVar aggregate classification (germline): Likely benign. Review status: criteria provided, multiple submitters, no conflicts (2 of 4 stars). 9 submissions from 9 submitters: Likely benign (8). 1 of the submissions does not count toward it. Last evaluated 2026-01-15.

Conditions:
RYR2-related disorder. Also called: RYR2-related condition.
Catecholaminergic polymorphic ventricular tachycardia 1. Also called: RYR2-Related Catecholaminergic Polymorphic Ventricular Tachycardia; VENTRICULAR TACHYCARDIA, STRESS-INDUCED POLYMORPHIC 1; VENTRICULAR TACHYCARDIA, CATECHOLAMINERGIC POLYMORPHIC, 1, WITH OR WITHOUT ATRIAL DYSFUNCTION AND/OR DILATED CARDIOMYOPATHY. Identifiers: Orphanet 3286, MedGen C1631597, MONDO:0011484, OMIM 604772.
Cardiovascular phenotype. Identifiers: MedGen CN230736.
Catecholaminergic polymorphic ventricular tachycardia (CVPT). Also called: Catecholamine-induced polymorphic ventricular tachycardia. Identifiers: Orphanet 3286, MedGen C5574922, MONDO:0017990.
Cardiomyopathy (CMYO). Also called: Cardiomyopathies. Identifiers: Orphanet 167848, MedGen C0878544, MONDO:0004994, HP:0001638. Inheritance: Various modes of inheritance.

Allele frequency attached by ClinVar (database versions not stated): TOPMed 0.00005; gnomAD 0.00007; gnomAD exomes 0.00007; ExAC 0.00008.
gnomAD v4.1: 103 of 1,548,662 alleles (0.0067%); highest among the groups gnomAD compares: Non-Finnish European, 0.0063%; no homozygotes.

Submissions (9):

Labcorp Genetics (formerly Invitae), Labcorp
Classification: Likely benign for Catecholaminergic polymorphic ventricular tachycardia 1. Last evaluated: 2026-01-15. Review status: criteria provided, single submitter. Criteria: Invitae Variant Classification Sherloc (09022015). Collection method: clinical testing. Allele origin: germline.

Molecular Diagnostic Laboratory for Inherited Cardiovascular Disease, Montreal Heart Institute
Classification: Likely benign. Last evaluated: 2025-04-09. Review status: criteria provided, single submitter. Criteria: ACMG Guidelines, 2015. Collection method: clinical testing. Allele origin: germline. Affected: no.
Comment: BP6;BP7

Blueprint Genetics
Classification: Likely benign. Last evaluated: 2024-05-08. Review status: criteria provided, single submitter. Criteria: ACMG Guidelines, 2015. Collection method: clinical testing. Allele origin: germline.

All of Us Research Program, National Institutes of Health
Classification: Likely benign for Catecholaminergic polymorphic ventricular tachycardia. Last evaluated: 2024-01-03. Review status: criteria provided, single submitter. Criteria: ACMG Guidelines, 2015. Collection method: clinical testing. Allele origin: germline. Inheritance: Autosomal dominant inheritance. Observed: 16 variant alleles, 16 heterozygotes.
Comment: This study involves interpretation of variants in research participants for the purpose of population health screening. Participant phenotype was not available at the time of variant classification. Additional details can be found in publication PMID: 35346344, PMCID: PMC8962531

CeGaT Center for Human Genetics Tuebingen
Classification: Likely benign. Last evaluated: 2021-01-01. Review status: criteria provided, single submitter. Criteria: CeGaT Center For Human Genetics Tuebingen Variant Classification Criteria Version 2. Collection method: clinical testing. Allele origin: germline. Affected: yes. Observed: 1 variant allele.

Ambry Genetics
Classification: Likely benign for Cardiovascular phenotype. Last evaluated: 2019-01-21. Review status: criteria provided, single submitter. Criteria: Ambry Variant Classification Scheme 2023. Collection method: clinical testing. Allele origin: germline.

Color Diagnostics, LLC DBA Color Health
Classification: Likely benign for Cardiomyopathy. Last evaluated: 2018-09-28. Review status: criteria provided, single submitter. Criteria: ACMG Guidelines, 2015. Collection method: clinical testing. Allele origin: germline.

GeneDx
Classification: Likely benign. Last evaluated: 2017-02-07. Review status: criteria provided, single submitter. Criteria: GeneDx Variant Classification (06012015). Collection method: clinical testing. Allele origin: germline. Affected: yes.
Comment: This variant is considered likely benign or benign based on one or more of the following criteria: it is a conservative change, it occurs at a poorly conserved position in the protein, it is predicted to be benign by multiple in silico algorithms, and/or has population frequency not consistent with disease.

PreventionGenetics, part of Exact Sciences
Classification: Likely benign for RYR2-related condition. Last evaluated: 2024-07-08. Review status: no assertion criteria provided. Collection method: clinical testing. Allele origin: germline. Not counted in ClinVar's aggregate classification.
Comment: This variant is classified as likely benign based on ACMG/AMP sequence variant interpretation guidelines (Richards et al. 2015 PMID: 25741868, with internal and published modifications).

NM_001035.3(RYR2):c.1491C>T (p.Leu497=)

Gene: RYR2 (ryanodine receptor 2; plus strand). Cytogenetic location: 1q43.
Variant type: single nucleotide variant.
Coding change: c.1491C>T on transcript NM_001035.3 (MANE Select); coding-DNA position 1491, C replaced by T.
Protein change: p.Leu497=; no amino-acid change (leucine 497 retained).
Molecular consequence: synonymous variant.
Genome position (GRCh38, 1-based): chr1:237,456,614, C>T. VCF-style: chr1-237456614-C-T. GRCh37 (hg19) VCF-style: chr1-237619914-C-T.
Other names: c.1491C>T, p.Leu497= (LRG_402t1).
Identifiers: ClinVar variation 507272 (VCV000507272.55), dbSNP rs774279425, ClinGen allele CA085792.